The following is an entry in ClinVar:

NM_001042492.3(NF1):c.823_827dup (p.Cys277fs)

Gene: NF1 (neurofibromin 1; plus strand). Cytogenetic location: 17q11.2.
Variant type: Duplication.
Coding change: c.823_827dup on transcript NM_001042492.3 (MANE Select); coding-DNA positions 823 to 827, 5 bases duplicated (ATCTT; older notation c.823_827dupATCTT).
Protein change: p.Cys277fs; shifts the reading frame from cysteine 277.
Molecular consequence: frameshift variant.
Genome position (GRCh38, 1-based): chr17:31,182,600-31,182,604, ATCTT duplicated; duplicating any 5 consecutive bases within chr17:31,182,597-31,182,604 gives the same sequence; the c. name uses the placement nearest the transcript's 3' end. VCF-style (leftmost placement, unchanged base first): chr17-31182596-C-CCTTAT. GRCh37 (hg19) VCF-style: chr17-29509614-C-CCTTAT.
Other names: c.823_827dup5 (NM_001042492.2); c.823_827dup, p.Cys277Serfs (NM_000267.4); c.823_827dup, p.Cys277fs (NM_001128147.3); short protein forms C277fs.
Identifiers: ClinVar variation 3345627 (VCV003345627.1).
Genomic context (GRCh38, chr17:31,182,596, plus strand): 5'-GGATGGTTTTGCTGAAAGCACCAAACGTAAAGCAGCAGTTTGGCCACTACAAATCATTCT[C>CCTTAT]CTTATCTTGTGTCCAGAAATAATCCAGGATATATCCAAAGACGTGGTTGATGAAAACAAC-3'

ClinVar aggregate classification (germline): Likely pathogenic (0 of 4 stars; one submission).

Conditions:
NF1-related disorder. Also called: NF1-related condition. Identifiers: MedGen CN379171.

Submission:

PreventionGenetics, part of Exact Sciences
Classification: Likely pathogenic for NF1-related condition. Last evaluated: 2024-09-25. Review status: no assertion criteria provided. Collection method: clinical testing. Allele origin: germline.
Comment: The NF1 c.823_827dup5 variant is predicted to result in a frameshift and premature protein termination (p.Cys277Serfs*6). To our knowledge, this variant has not been reported in the literature or in a large population database, indicating this variant is rare. Frameshift variants in NF1 are expected to be pathogenic. This variant is interpreted as likely pathogenic.